The following is an entry in ClinVar:

NM_000166.6(GJB1):c.544T>A (p.Ser182Thr)

Gene: GJB1 (gap junction protein beta 1; plus strand). Cytogenetic location: Xq13.1.
Variant type: single nucleotide variant.
Coding change: c.544T>A on transcript NM_000166.6 (MANE Select); coding-DNA position 544, T replaced by A.
Protein change: p.Ser182Thr; replaces serine 182 with threonine.
Molecular consequence: missense variant.
Genome position (GRCh38, 1-based): chrX:71,224,251, T>A. VCF-style: chrX-71224251-T-A. GRCh37 (hg19) VCF-style: chrX-70444101-T-A.
Other names: c.544T>A, p.Ser182Thr (NM_001097642.3); short protein forms S182T.
Identifiers: ClinVar variation 637584 (VCV000637584.2), dbSNP rs1602349628, ClinGen allele CA413503088.

ClinVar aggregate classification (germline): Pathogenic. Review status: criteria provided, single submitter (1 of 4 stars). 2 submissions from 2 submitters: Pathogenic (1). 1 of the submissions does not count toward it. Last evaluated 2024-03-06.

Conditions:
Charcot-Marie-Tooth disease X-linked dominant 1. Also called: Charcot-Marie-Tooth Neuropathy X Type 1; X-linked Charcot-Marie-Tooth disease type 1; GJB1 Disorders: Charcot-Marie-Tooth Neuropathy (CMT1X) and Central Nervous System Phenotypes; CHARCOT-MARIE-TOOTH NEUROPATHY, X-LINKED, 1; CHARCOT-MARIE-TOOTH PERONEAL MUSCULAR ATROPHY, X-LINKED; HEREDITARY MOTOR AND SENSORY NEUROPATHY, X-LINKED. Identifiers: Orphanet 101075, MedGen C0393808, MONDO:0010549, OMIM 302800.
Charcot-Marie-Tooth disease. Also called: Charcot-Marie-Tooth Hereditary Neuropathy; Charcot-Marie-Tooth Neuropathy. Identifiers: Orphanet 166, MedGen C0007959, MONDO:0015626.

Submissions (2):

Concord Molecular Medicine Laboratory, Concord Repatriation General Hospital
Classification: Pathogenic for Charcot-Marie-Tooth disease X-linked dominant 1. Last evaluated: 2024-03-06. Review status: criteria provided, single submitter. Criteria: ACMG Guidelines, 2015. Collection method: clinical testing. Allele origin: germline. Inheritance: X-linked dominant inheritance. Affected: yes.
Comment: This variant segregates with disease in multiple affected family members. This variant has also been reported to cause X-linked dominant Charcot-Marie-Tooth neuropathy 1 (CMTX1) in multiple separate families (PMID: 9818870, 24290847). The variant is not detected in control population (gnomAD v4). Structural and functional studies showed that the variant is located within the second extracellular domain and leads to failed gap function formation (PMID: 9361298, 15006706). Other variants within this domain have been described to cause CMTX1 (PMID: 11571214). In silico analysis suggests this variant to be deleterious (REVEL 0.96).

Inherited Neuropathy Consortium
Classification: Uncertain significance for Charcot-Marie-Tooth disease. Review status: no assertion criteria provided. Collection method: literature only. Allele origin: germline. Affected: yes. Not counted in ClinVar's aggregate classification.

Literature cited by the submitters: PubMed 9361298 (cited by Inherited Neuropathy Consortium).